The following is an entry in ClinVar:

NM_014704.4(CEP104):c.2124A>G (p.Ala708=)

Gene: CEP104 (centrosomal protein 104; minus strand). Cytogenetic location: 1p36.32.
Variant type: single nucleotide variant.
Coding change: c.2124A>G on transcript NM_014704.4 (MANE Select); coding-DNA position 2124, A replaced by G.
Protein change: p.Ala708=; no amino-acid change (alanine 708 retained).
Molecular consequence: synonymous variant.
Genome position (GRCh38, 1-based): chr1:3,829,293, T>C on the plus strand (A>G on the coding strand, the complement: CEP104 is on the minus strand). VCF-style: chr1-3829293-T-C. GRCh37 (hg19) VCF-style: chr1-3745857-T-C.
Identifiers: ClinVar variation 772361 (VCV000772361.35), dbSNP rs139817583, ClinGen allele CA551407.

ClinVar aggregate classification (germline): Benign/Likely benign. Review status: criteria provided, multiple submitters, no conflicts (2 of 4 stars). 4 submissions from 4 submitters: Benign (1); Likely benign (3). Last evaluated 2026-02-01.

Conditions:
Joubert syndrome 25 (JBTS25). Identifiers: Orphanet 475, MedGen C4084842, MONDO:0014770, OMIM 616781.

Allele frequency attached by ClinVar (database versions not stated): ExAC 0.00099; 1000 Genomes Project 0.00100; gnomAD 0.00107; TOPMed 0.00108; 1000 Genomes Project 30x 0.00109; gnomAD exomes 0.00109 and 0.00170; ESP Exome Variant Server 0.00177.
gnomAD v4.1: 2,598 of 1,590,476 alleles (0.16%); highest among the groups gnomAD compares: Non-Finnish European, 0.2%; 5 homozygotes.

Submissions (4):

CeGaT Center for Human Genetics Tuebingen
Classification: Likely benign. Last evaluated: 2026-02-01. Review status: criteria provided, single submitter. Criteria: CeGaT Center For Human Genetics Tuebingen Variant Classification Criteria Version 2. Collection method: clinical testing. Allele origin: germline. Affected: yes. Observed: 6 variant alleles.
Comment: CEP104: BP4, BP7

Labcorp Genetics (formerly Invitae), Labcorp
Classification: Benign for Joubert syndrome 25. Last evaluated: 2026-01-26. Review status: criteria provided, single submitter. Criteria: Invitae Variant Classification Sherloc (09022015). Collection method: clinical testing. Allele origin: germline.

Blueprint Genetics
Classification: Likely benign. Last evaluated: 2024-11-22. Review status: criteria provided, single submitter. Criteria: ACMG Guidelines, 2015. Collection method: clinical testing. Allele origin: germline.

GeneDx
Classification: Likely benign. Last evaluated: 2020-09-19. Review status: criteria provided, single submitter. Criteria: GeneDx Variant Classification Process June 2021. Collection method: clinical testing. Allele origin: germline. Affected: yes.